The following is an entry in ClinVar:

NM_001122630.2(CDKN1C):c.734C>T (p.Ala245Val)

Gene: CDKN1C (cyclin dependent kinase inhibitor 1C; minus strand). Cytogenetic location: 11p15.4.
Variant type: single nucleotide variant.
Coding change: c.734C>T on transcript NM_001122630.2 (MANE Select); coding-DNA position 734, C replaced by T.
Protein change: p.Ala245Val; replaces alanine 245 with valine.
Molecular consequence: missense variant. On other transcripts: intron variant (1).
Genome position (GRCh38, 1-based): chr11:2,884,723, G>A on the plus strand (C>T on the coding strand, the complement: CDKN1C is on the minus strand). VCF-style: chr11-2884723-G-A. GRCh37 (hg19) VCF-style: chr11-2905953-G-A.
Other names: c.767C>T, p.Ala256Val (NM_000076.2, NM_001362474.2); c.734C>T, p.Ala245Val (NM_001122631.2); c.255+479C>T (NM_001362475.2); short protein forms A245V, A256V.
Identifiers: ClinVar variation 2421714 (VCV002421714.6), dbSNP rs1265275989, ClinGen allele CA379145619.

ClinVar aggregate classification (germline): Uncertain significance (1 of 4 stars; one submission).

Conditions:
Beckwith-Wiedemann syndrome (BWS). Also called: EMG SYNDROME; Exomphalos macroglossia gigantism syndrome. Identifiers: Orphanet 116, MedGen C0004903, MONDO:0007534, OMIM 130650.

gnomAD v4.1: 1 of 1,505,334 alleles (0.000066%); highest among the groups gnomAD compares: Non-Finnish European, 0.000088%; no homozygotes.

Submission:

Labcorp Genetics (formerly Invitae), Labcorp
Classification: Uncertain significance for Beckwith-Wiedemann syndrome. Last evaluated: 2023-10-25. Review status: criteria provided, single submitter. Criteria: Invitae Variant Classification Sherloc (09022015). Collection method: clinical testing. Allele origin: germline.
Comment: This sequence change replaces alanine, which is neutral and non-polar, with valine, which is neutral and non-polar, at codon 256 of the CDKN1C protein (p.Ala256Val). This variant is not present in population databases (gnomAD no frequency). This variant has not been reported in the literature in individuals affected with CDKN1C-related conditions. ClinVar contains an entry for this variant (Variation ID: 2421714). Advanced modeling of protein sequence and biophysical properties (such as structural, functional, and spatial information, amino acid conservation, physicochemical variation, residue mobility, and thermodynamic stability) performed at Invitae indicates that this missense variant is not expected to disrupt CDKN1C protein function with a negative predictive value of 80%. In summary, the available evidence is currently insufficient to determine the role of this variant in disease. Therefore, it has been classified as a Variant of Uncertain Significance.